The following is an entry in ClinVar:

ClinVar aggregate classification (germline): Uncertain significance. Review status: criteria provided, multiple submitters, no conflicts (2 of 4 stars). 4 submissions from 4 submitters: Uncertain significance (4). Last evaluated 2025-08-24.

Conditions:
Cardiovascular phenotype. Identifiers: MedGen CN230736.
Cardiomyopathy (CMYO). Also called: Cardiomyopathies. Identifiers: Orphanet 167848, MedGen C0878544, MONDO:0004994, HP:0001638. Inheritance: Various modes of inheritance.
Arrhythmogenic cardiomyopathy with wooly hair and keratoderma. Also called: PALMOPLANTAR KERATODERMA WITH LEFT VENTRICULAR CARDIOMYOPATHY AND WOOLLY HAIR; Carvajal syndrome; Arrhythmogenic cardiomyopathy with woolly hair and keratoderma; Dilated cardiomyopathy with woolly hair and keratoderma. Identifiers: Orphanet 65282, MedGen C1854063, MONDO:0011581, OMIM 605676.
Arrhythmogenic right ventricular dysplasia 8 (ARVD8). Also called: Arrhythmogenic Right Ventricular Dysplasia/Cardiomyopathy 8; ARRHYTHMOGENIC RIGHT VENTRICULAR DYSPLASIA, FAMILIAL, 8; ARRHYTHMOGENIC RIGHT VENTRICULAR CARDIOMYOPATHY 8. Identifiers: MedGen C1843896, MONDO:0011831, OMIM 607450.

Allele frequency attached by ClinVar (database versions not stated): gnomAD exomes below 0.00001 and 0.00001; ExAC 0.00001.
gnomAD v4.1: 6 of 1,614,144 alleles (0.00037%); highest among the groups gnomAD compares: Non-Finnish European, 0.00051%; no homozygotes.

Submissions (4):

Labcorp Genetics (formerly Invitae), Labcorp
Classification: Uncertain significance for Arrhythmogenic cardiomyopathy with wooly hair and keratoderma; Arrhythmogenic right ventricular dysplasia 8. Last evaluated: 2025-08-24. Review status: criteria provided, single submitter. Criteria: Invitae Variant Classification Sherloc (09022015). Collection method: clinical testing. Allele origin: germline.
Comment: This sequence change replaces asparagine, which is neutral and polar, with aspartic acid, which is acidic and polar, at codon 2139 of the DSP protein (p.Asn2139Asp). This variant is present in population databases (rs762434061, gnomAD 0.003%). This variant has not been reported in the literature in individuals affected with DSP-related conditions. ClinVar contains an entry for this variant (Variation ID: 246669). An algorithm developed to predict the effect of missense changes on protein structure and function (PolyPhen-2) suggests that this variant is likely to be disruptive. In summary, the available evidence is currently insufficient to determine the role of this variant in disease. Therefore, it has been classified as a Variant of Uncertain Significance.

Color Diagnostics, LLC DBA Color Health
Classification: Uncertain significance for Cardiomyopathy. Last evaluated: 2023-12-05. Review status: criteria provided, single submitter. Criteria: ACMG Guidelines, 2015. Collection method: clinical testing. Allele origin: germline.
Comment: Variant of Uncertain Significance due to insufficient evidence: This missense variant replaces asparagine with aspartic acid at codon 2139 of the DSP protein. Computational prediction tools and conservation analyses are inconclusive regarding the impact of this variant on the protein function. Computational splicing tools suggest that this variant may not impact RNA splicing. To our knowledge, functional assays have not been performed for this variant nor has this variant been reported in individuals affected with cardiovascular disorders in the literature. This variant has been identified in 3/246068 chromosomes in the general population by the Genome Aggregation Database (gnomAD). Available evidence is insufficient to determine the role of this variant in disease conclusively.

All of Us Research Program, National Institutes of Health
Classification: Uncertain significance for Arrhythmogenic cardiomyopathy with wooly hair and keratoderma. Last evaluated: 2023-05-16. Review status: criteria provided, single submitter. Criteria: ACMG Guidelines, 2015. Collection method: clinical testing. Allele origin: germline. Inheritance: Autosomal dominant inheritance. Observed: 1 variant allele, 1 heterozygote.
Comment: Variant of Uncertain Significance due to insufficient evidence: This missense variant replaces asparagine with aspartic acid at codon 2139 of the DSP protein. Computational prediction tools and conservation analyses are inconclusive regarding the impact of this variant on the protein function. Computational splicing tools suggest that this variant may not impact RNA splicing. To our knowledge, functional assays have not been performed for this variant nor has this variant been reported in individuals affected with cardiovascular disorders in the literature. This variant has been identified in 3/246068 chromosomes in the general population by the Genome Aggregation Database (gnomAD). Available evidence is insufficient to determine the role of this variant in disease conclusively.

This study involves interpretation of variants in research participants for the purpose of population health screening. Participant phenotype was not available at the time of variant classification. Additional details can be found in publication PMID: 35346344, PMCID: PMC8962531

Ambry Genetics
Classification: Uncertain significance for Cardiovascular phenotype. Last evaluated: 2019-10-08. Review status: criteria provided, single submitter. Criteria: Ambry Variant Classification Scheme 2023. Collection method: clinical testing. Allele origin: germline.
Comment: The p.N2139D variant (also known as c.6415A>G), located in coding exon 24 of the DSP gene, results from an A to G substitution at nucleotide position 6415. The asparagine at codon 2139 is replaced by aspartic acid, an amino acid with highly similar properties. This amino acid position is not well conserved in available vertebrate species. In addition, this alteration is predicted to be tolerated by in silico analysis. Since supporting evidence is limited at this time, the clinical significance of this alteration remains unclear.

NM_004415.4(DSP):c.6415A>G (p.Asn2139Asp)

Gene: DSP (desmoplakin; plus strand). Cytogenetic location: 6p24.3.
Variant type: single nucleotide variant.
Coding change: c.6415A>G on transcript NM_004415.4 (MANE Select); coding-DNA position 6415, A replaced by G.
Protein change: p.Asn2139Asp; replaces asparagine 2139 with aspartic acid.
Molecular consequence: missense variant.
Genome position (GRCh38, 1-based): chr6:7,583,677, A>G. VCF-style: chr6-7583677-A-G. GRCh37 (hg19) VCF-style: chr6-7583910-A-G.
Other names: c.4618A>G, p.Asn1540Asp (NM_001008844.3); c.5086A>G, p.Asn1696Asp (NM_001319034.2); c.6415A>G (LRG_423t1); short protein forms N2139D, N1540D, N1696D.
Identifiers: ClinVar variation 246669 (VCV000246669.16), dbSNP rs762434061, ClinGen allele CA047619.